The following is an entry in ClinVar:

ClinVar aggregate classification (germline): Uncertain significance (1 of 4 stars; one submission).

Allele frequency attached by ClinVar (database versions not stated): TOPMed below 0.00001; gnomAD 0.00001; gnomAD exomes 0.00001.

Submission:

Labcorp Genetics (formerly Invitae), Labcorp
Classification: Uncertain significance. Last evaluated: 2024-06-29. Review status: criteria provided, single submitter. Criteria: Invitae Variant Classification Sherloc (09022015). Collection method: clinical testing. Allele origin: germline.
Comment: This variant, c.1389_1409dup, results in the insertion of 7 amino acid(s) of the SON protein (p.Gln467_Pro473dup), but otherwise preserves the integrity of the reading frame. This variant is present in population databases (no rsID available, gnomAD 0.002%). This variant has not been reported in the literature in individuals affected with SON-related conditions. In summary, the available evidence is currently insufficient to determine the role of this variant in disease. Therefore, it has been classified as a Variant of Uncertain Significance.

NM_138927.4(SON):c.1389_1409dup (p.Pro473_Val474insGlnGluValProGluProPro)

Gene: SON (SON DNA and RNA binding protein; plus strand). Cytogenetic location: 21q22.11.
Variant type: Duplication.
Coding change: c.1389_1409dup on transcript NM_138927.4 (MANE Select); coding-DNA positions 1389 to 1409, 21 bases duplicated (GGAGCCACCACAGGAGGTACC).
Protein change: p.Pro473_Val474insGlnGluValProGluProPro.
Molecular consequence: inframe insertion. On other transcripts: inframe indel (3), non-coding transcript variant (1), intron variant (1).
Genome position (GRCh38, 1-based): chr21:33,550,620-33,550,640, GGAGCCACCACAGGAGGTACC duplicated. VCF-style (leftmost placement, unchanged base first): chr21-33550619-T-TGGAGCCACCACAGGAGGTACC. GRCh37 (hg19) VCF-style: chr21-34922925-T-TGGAGCCACCACAGGAGGTACC.
Other names: c.1389_1409dup, p.Pro473_Val474insGlnGluValProGluProPro (NM_001291411.2, NM_001412133.1, NM_032195.3 and 2 more transcripts); c.244+4241_244+4261dup (NM_001291412.3).
Identifiers: ClinVar variation 2739124 (VCV002739124.3), dbSNP rs1331449939, ClinGen allele CA638053200.